The following is an entry in ClinVar:

NM_019892.6(INPP5E):c.469G>C (p.Gly157Arg)

Gene: INPP5E (inositol polyphosphate-5-phosphatase E; minus strand). Cytogenetic location: 9q34.3.
Variant type: single nucleotide variant.
Coding change: c.469G>C on transcript NM_019892.6 (MANE Select); coding-DNA position 469, G replaced by C.
Protein change: p.Gly157Arg; replaces glycine 157 with arginine.
Molecular consequence: missense variant.
Genome position (GRCh38, 1-based): chr9:136,438,951, C>G on the plus strand (G>C on the coding strand, the complement: INPP5E is on the minus strand). VCF-style: chr9-136438951-C-G. GRCh37 (hg19) VCF-style: chr9-139333403-C-G.
Other names: c.469G>C, p.Gly157Arg (NM_001318502.2); short protein forms G157R.
Identifiers: ClinVar variation 2181466 (VCV002181466.4), dbSNP rs78211353, ClinGen allele CA375568746.

ClinVar aggregate classification (germline): Uncertain significance (1 of 4 stars; one submission).

Conditions:
Joubert syndrome. Also called: CEREBELLOPARENCHYMAL DISORDER IV; JOUBERT-BOLTSHAUSER SYNDROME; Familial aplasia of the vermis. Identifiers: Orphanet 475, MedGen C5979921, MONDO:0018772.

Submission:

Labcorp Genetics (formerly Invitae), Labcorp
Classification: Uncertain significance for Joubert syndrome. Last evaluated: 2022-07-06. Review status: criteria provided, single submitter. Criteria: Invitae Variant Classification Sherloc (09022015). Collection method: clinical testing. Allele origin: germline.
Comment: This sequence change replaces glycine, which is neutral and non-polar, with arginine, which is basic and polar, at codon 157 of the INPP5E protein (p.Gly157Arg). This variant is not present in population databases (gnomAD no frequency). This variant has not been reported in the literature in individuals affected with INPP5E-related conditions. Advanced modeling of protein sequence and biophysical properties (such as structural, functional, and spatial information, amino acid conservation, physicochemical variation, residue mobility, and thermodynamic stability) performed at Invitae indicates that this missense variant is not expected to disrupt INPP5E protein function. In summary, the available evidence is currently insufficient to determine the role of this variant in disease. Therefore, it has been classified as a Variant of Uncertain Significance.